The following is an entry in ClinVar:

NM_016169.4(SUFU):c.1016G>C (p.Arg339Pro)

Gene: SUFU (SUFU negative regulator of hedgehog signaling; plus strand). Cytogenetic location: 10q24.32.
Variant type: single nucleotide variant.
Coding change: c.1016G>C on transcript NM_016169.4 (MANE Select); coding-DNA position 1016, G replaced by C.
Protein change: p.Arg339Pro; replaces arginine 339 with proline.
Molecular consequence: missense variant.
Genome position (GRCh38, 1-based): chr10:102,599,538, G>C. VCF-style: chr10-102599538-G-C. GRCh37 (hg19) VCF-style: chr10-104359295-G-C.
Other names: c.1016G>C, p.Arg339Pro (NM_001178133.2); short protein forms R339P.
Identifiers: ClinVar variation 524662 (VCV000524662.13), dbSNP rs369910221, ClinGen allele CA5667840.

ClinVar aggregate classification (germline): Uncertain significance. Review status: criteria provided, multiple submitters, no conflicts (2 of 4 stars). 3 submissions from 3 submitters: Uncertain significance (3). Last evaluated 2025-07-27.

Conditions:
Hereditary cancer-predisposing syndrome. Also called: Neoplastic Syndromes, Hereditary; Tumor predisposition; Hereditary neoplastic syndrome; Hereditary Cancer Syndrome. Identifiers: Orphanet 140162, MedGen C0027672, MeSH D009386, MONDO:0015356.
Familial meningioma. Also called: Meningioma, familial, susceptibility to. Identifiers: Orphanet 263662, MedGen C3551915, MONDO:0011789, OMIM 607174.
Gorlin syndrome. Also called: Basal cell nevus syndrome; Nevoid Basal Cell Carcinoma Syndrome. Identifiers: Orphanet 377, MedGen C0004779, MONDO:0007187.
Medulloblastoma (MDB). Also called: Medulloblastoma, somatic; MEDULLOBLASTOMA PREDISPOSITION SYNDROME. Identifiers: Orphanet 616, MedGen C0025149, MeSH D008527, MONDO:0007959, OMIM 155255, HP:0002885.

gnomAD v4.1: 1 of 1,613,976 alleles (0.000062%); highest among the groups gnomAD compares: Non-Finnish European, 0.000085%; no homozygotes.

Submissions (3):

Labcorp Genetics (formerly Invitae), Labcorp
Classification: Uncertain significance for Gorlin syndrome; Medulloblastoma. Last evaluated: 2025-07-27. Review status: criteria provided, single submitter. Criteria: Invitae Variant Classification Sherloc (09022015). Collection method: clinical testing. Allele origin: germline.
Comment: This sequence change replaces arginine, which is basic and polar, with proline, which is neutral and non-polar, at codon 339 of the SUFU protein (p.Arg339Pro). This variant is present in population databases (rs369910221, gnomAD 0.002%). This variant has not been reported in the literature in individuals affected with SUFU-related conditions. ClinVar contains an entry for this variant (Variation ID: 524662). Invitae Evidence Modeling of protein sequence and biophysical properties (such as structural, functional, and spatial information, amino acid conservation, physicochemical variation, residue mobility, and thermodynamic stability) indicates that this missense variant is not expected to disrupt SUFU protein function with a negative predictive value of 80%. In summary, the available evidence is currently insufficient to determine the role of this variant in disease. Therefore, it has been classified as a Variant of Uncertain Significance.

Ambry Genetics
Classification: Uncertain significance for Hereditary cancer-predisposing syndrome. Last evaluated: 2023-12-06. Review status: criteria provided, single submitter. Criteria: Ambry Variant Classification Scheme 2023. Collection method: clinical testing. Allele origin: germline.
Comment: The p.R339P variant (also known as c.1016G>C), located in coding exon 8 of the SUFU gene, results from a G to C substitution at nucleotide position 1016. The arginine at codon 339 is replaced by proline, an amino acid with dissimilar properties. This amino acid position is highly conserved in available vertebrate species. In addition, the in silico prediction for this alteration is inconclusive. Since supporting evidence is limited at this time, the clinical significance of this alteration remains unclear.

Baylor Genetics
Classification: Uncertain significance for Familial meningioma. Last evaluated: 2023-11-02. Review status: criteria provided, single submitter. Criteria: ACMG Guidelines, 2015. Collection method: clinical testing. Allele origin: unknown.